The following is an entry in ClinVar:

NM_003978.5(PSTPIP1):c.224C>T (p.Ala75Val)

Gene: PSTPIP1 (proline-serine-threonine phosphatase interacting protein 1; plus strand). Cytogenetic location: 15q24.3.
Variant type: single nucleotide variant.
Coding change: c.224C>T on transcript NM_003978.5 (MANE Select); coding-DNA position 224, C replaced by T.
Protein change: p.Ala75Val; replaces alanine 75 with valine.
Molecular consequence: missense variant. On other transcripts: non-coding transcript variant (1).
Genome position (GRCh38, 1-based): chr15:77,025,295, C>T. VCF-style: chr15-77025295-C-T. GRCh37 (hg19) VCF-style: chr15-77317636-C-T.
Other names: c.224C>T, p.Ala75Val (NM_001321135.2); c.197C>T, p.Ala66Val (NM_001321136.2); c.419C>T, p.Ala140Val (NM_001321137.1); short protein forms A140V, A75V, A66V.
Identifiers: ClinVar variation 1472727 (VCV001472727.6), dbSNP rs2152683730, ClinGen allele CA393518599.

ClinVar aggregate classification (germline): Uncertain significance (1 of 4 stars; one submission).

Conditions:
Pyogenic arthritis-pyoderma gangrenosum-acne syndrome (PAPA). Also called: FAMILIAL RECURRENT ARTHRITIS; PAPA SYNDROME. Identifiers: Orphanet 69126, MedGen C1858361, MONDO:0011462, OMIM 604416.

Submission:

Labcorp Genetics (formerly Invitae), Labcorp
Classification: Uncertain significance for Pyogenic arthritis-pyoderma gangrenosum-acne syndrome. Last evaluated: 2021-12-09. Review status: criteria provided, single submitter. Criteria: Invitae Variant Classification Sherloc (09022015). Collection method: clinical testing. Allele origin: germline.
Comment: Algorithms developed to predict the effect of missense changes on protein structure and function are either unavailable or do not agree on the potential impact of this missense change (SIFT: "Deleterious"; PolyPhen-2: "Benign"; Align-GVGD: "Class C0"). This sequence change replaces alanine, which is neutral and non-polar, with valine, which is neutral and non-polar, at codon 75 of the PSTPIP1 protein (p.Ala75Val). This variant is not present in population databases (gnomAD no frequency). This variant has not been reported in the literature in individuals affected with PSTPIP1-related conditions. In summary, the available evidence is currently insufficient to determine the role of this variant in disease. Therefore, it has been classified as a Variant of Uncertain Significance.